The following is an entry in ClinVar:

ClinVar aggregate classification (germline): Uncertain significance. Review status: criteria provided, multiple submitters, no conflicts (2 of 4 stars). 2 submissions from 2 submitters: Uncertain significance (2). Last evaluated 2025-04-04.

Conditions:
RAD23B-related disorder. Also called: RAD23B-related condition.

Allele frequency attached by ClinVar (database versions not stated): gnomAD exomes below 0.00001; TOPMed below 0.00001; ExAC 0.00002; gnomAD 0.00002.
gnomAD v4.1: 9 of 1,614,074 alleles (0.00056%); highest among the groups gnomAD compares: African/African-American, 0.0013%; no homozygotes.

Submissions (2):

Ambry Genetics
Classification: Uncertain significance. Last evaluated: 2025-04-04. Review status: criteria provided, single submitter. Criteria: Ambry Variant Classification Scheme 2023. Collection method: clinical testing. Allele origin: germline.

PreventionGenetics, part of Exact Sciences
Classification: Uncertain significance for RAD23B-related condition. Last evaluated: 2023-08-31. Review status: criteria provided, single submitter. Criteria: ACMG Guidelines, 2015. Collection method: clinical testing. Allele origin: germline.
Comment: The RAD23B c.451A>G variant is predicted to result in the amino acid substitution p.Lys151Glu. To our knowledge, this variant has not been reported in the literature. This variant is reported in 0.0018% of alleles in individuals of European (Non-Finnish) descent in gnomAD. At this time, the clinical significance of this variant is uncertain due to the absence of conclusive functional and genetic evidence.

NM_002874.5(RAD23B):c.451A>G (p.Lys151Glu)

Gene: RAD23B (RAD23 nucleotide excision repair protein B; plus strand). Cytogenetic location: 9q31.2.
Variant type: single nucleotide variant.
Coding change: c.451A>G on transcript NM_002874.5 (MANE Select); coding-DNA position 451, A replaced by G.
Protein change: p.Lys151Glu; replaces lysine 151 with glutamic acid.
Molecular consequence: missense variant.
Genome position (GRCh38, 1-based): chr9:107,306,601, A>G. VCF-style: chr9-107306601-A-G. GRCh37 (hg19) VCF-style: chr9-110068882-A-G.
Other names: c.388A>G, p.Lys130Glu (NM_001244713.1); c.235A>G, p.Lys79Glu (NM_001244724.2); short protein forms K130E, K151E, K79E.
Identifiers: ClinVar variation 2635893 (VCV002635893.2), dbSNP rs760163367, ClinGen allele CA5172672.
Genomic context (GRCh38, chr9:107,306,601, plus strand): 5'-GCGACAGCATCTTCTGAACCTGCACCTGCTAGTGCAGCTAAACAAGAGAAGCCTGCAGAA[A>G]AGCCAGCAGAGACACCAGTGGCTACTAGCCCAACAGCAACTGACAGGTAGGAACTGGATT-3'
Protein context (NP_002865.1, residues 141-161): SAAKQEKPAE[Lys151Glu]PAETPVATSP